The following is an entry in ClinVar:

ClinVar aggregate classification (germline): Benign/Likely benign. Review status: criteria provided, multiple submitters, no conflicts (2 of 4 stars). 6 submissions from 4 submitters: Benign (5); Likely benign (1). Last evaluated 2025-09-29.

Conditions:
Hyperinsulinism due to INSR deficiency. Also called: Hyperinsulinism due to glutamodehydrogenase deficiency. Identifiers: Orphanet 263458, MedGen C1864952, MONDO:0012381, OMIM 609968.
Insulin-resistant diabetes mellitus AND acanthosis nigricans. Also called: Insulin-resistance syndrome type A; INSULIN RECEPTOR, DEFECT IN, WITH INSULIN-RESISTANT DIABETES MELLITUS AND ACANTHOSIS NIGRICANS; IRAN, TYPE A; type A insulin resistance; DIABETES MELLITUS, INSULIN-RESISTANT, WITH ACANTHOSIS NIGRICANS, TYPE A. Identifiers: Orphanet 2297, MedGen C0342278, MONDO:0012520, OMIM 610549.
Rabson-Mendenhall syndrome. Also called: MENDENHALL SYNDROME; Pineal Hyperplasia, Insulin-Resistant Diabetes Mellitus, and Somatic Abnormalities; Pineal hyperplasia AND diabetes mellitus syndrome. Identifiers: Orphanet 769, MedGen C0271695, MONDO:0009874, OMIM 262190.
Leprechaunism syndrome. Also called: Donohue syndrome; LEPRECHAUNISM. Identifiers: Orphanet 508, MedGen C0265344, MONDO:0009517, OMIM 246200.

Allele frequency attached by ClinVar (database versions not stated): ESP Exome Variant Server 0.00031; gnomAD exomes 0.00060 and 0.00266; gnomAD 0.00145 and 0.00197; TOPMed 0.00156; ExAC 0.00248; 1000 Genomes Project 0.01038; 1000 Genomes Project 30x 0.01109.
gnomAD v4.1: 1,416 of 1,614,144 alleles (0.088%); highest among the groups gnomAD compares: East Asian, 1.9%; 35 homozygotes.

Submissions (6):

Labcorp Genetics (formerly Invitae), Labcorp
Classification: Benign. Last evaluated: 2025-09-29. Review status: criteria provided, single submitter. Criteria: Invitae Variant Classification Sherloc (09022015). Collection method: clinical testing. Allele origin: germline.

Fulgent Genetics
Classification: Likely benign for Leprechaunism syndrome; Rabson-Mendenhall syndrome; Hyperinsulinism due to INSR deficiency; Insulin-resistant diabetes mellitus AND acanthosis nigricans. Last evaluated: 2021-10-08. Review status: criteria provided, single submitter. Criteria: ACMG Guidelines, 2015. Collection method: clinical testing. Allele origin: unknown.

Illumina Laboratory Services, Illumina
Classification: Benign for Leprechaunism syndrome. Last evaluated: 2018-01-13. Review status: criteria provided, single submitter. Criteria: ICSL Variant Classification Criteria 13 December 2019. Collection method: clinical testing. Allele origin: germline.
Comment: This variant was observed in the ICSL laboratory as part of a predisposition screen in an ostensibly healthy population. It had not been previously curated by ICSL or reported in the Human Gene Mutation Database (HGMD: prior to June 1st, 2018), and was therefore a candidate for classification through an automated scoring system. Utilizing variant allele frequency, disease prevalence and penetrance estimates, and inheritance mode, an automated score was calculated to assess if this variant is too frequent to cause the disease. Based on the score and internal cut-off values, a variant classified as benign is not then subjected to further curation. The score for this variant resulted in a classification of benign for this disease.

Illumina Laboratory Services, Illumina
Classification: Benign for Insulin-resistant diabetes mellitus AND acanthosis nigricans. Last evaluated: 2018-01-13. Review status: criteria provided, single submitter. Criteria: ICSL Variant Classification Criteria 13 December 2019. Collection method: clinical testing. Allele origin: germline.
Comment: the same text as in the submission from Illumina Laboratory Services, Illumina above.

Illumina Laboratory Services, Illumina
Classification: Benign for Rabson-Mendenhall syndrome. Last evaluated: 2018-01-13. Review status: criteria provided, single submitter. Criteria: ICSL Variant Classification Criteria 13 December 2019. Collection method: clinical testing. Allele origin: germline.
Comment: the same text as in the submission from Illumina Laboratory Services, Illumina above.

Breakthrough Genomics
Classification: Benign. Review status: criteria provided, single submitter. Criteria: ACMG Guidelines, 2015. Collection method: not provided. Allele origin: germline. Inheritance: Autosomal recessive inheritance. Affected: yes.

NM_000208.4(INSR):c.2682+9C>G

Gene: INSR (insulin receptor; minus strand). Cytogenetic location: 19p13.2.
Variant type: single nucleotide variant.
Coding change: c.2682+9C>G on transcript NM_000208.4 (MANE Select); 9 bases into the intron after coding-DNA position 2682, C replaced by G.
Molecular consequence: intron variant.
Genome position (GRCh38, 1-based): chr19:7,141,668, G>C on the plus strand (C>G on the coding strand, the complement: INSR is on the minus strand). VCF-style: chr19-7141668-G-C. GRCh37 (hg19) VCF-style: chr19-7141679-G-C.
Other names: c.2646+9C>G (NM_001079817.3).
Identifiers: ClinVar variation 330452 (VCV000330452.16), dbSNP rs41398545, ClinGen allele CA9135489.